The following is an entry in ClinVar:

NM_003055.3(SLC18A3):c.949A>C (p.Lys317Gln)

Genes: CHAT (choline O-acetyltransferase; plus strand), SLC18A3 (solute carrier family 18 member A3; plus strand). Cytogenetic location: 10q11.23.
Variant type: single nucleotide variant.
Coding change: c.949A>C on transcript NM_003055.3 (MANE Select); coding-DNA position 949, A replaced by C.
Protein change: p.Lys317Gln; replaces lysine 317 with glutamine.
Molecular consequence: missense variant. On other transcripts: intron variant (1).
Genome position (GRCh38, 1-based): chr10:49,611,689, A>C. VCF-style: chr10-49611689-A-C. GRCh37 (hg19) VCF-style: chr10-50819735-A-C.
Other names: c.-69+2490A>C (NM_020984.4); short protein forms K317Q.
Identifiers: ClinVar variation 2126419 (VCV002126419.4), dbSNP rs2496273227, ClinGen allele CA376721375.

ClinVar aggregate classification (germline): Uncertain significance (1 of 4 stars; one submission).

Submission:

Labcorp Genetics (formerly Invitae), Labcorp
Classification: Uncertain significance. Last evaluated: 2022-05-21. Review status: criteria provided, single submitter. Criteria: Invitae Variant Classification Sherloc (09022015). Collection method: clinical testing. Allele origin: germline.
Comment: Algorithms developed to predict the effect of missense changes on protein structure and function (SIFT, PolyPhen-2, Align-GVGD) all suggest that this variant is likely to be tolerated. In summary, the available evidence is currently insufficient to determine the role of this variant in disease. Therefore, it has been classified as a Variant of Uncertain Significance. This variant has not been reported in the literature in individuals affected with SLC18A3-related conditions. This variant is not present in population databases (gnomAD no frequency). This sequence change replaces lysine, which is basic and polar, with glutamine, which is neutral and polar, at codon 317 of the SLC18A3 protein (p.Lys317Gln).